The following is an entry in ClinVar:

NM_004859.4(CLTC):c.625A>G (p.Asn209Asp)

Gene: CLTC (clathrin heavy chain; plus strand). Cytogenetic location: 17q23.1.
Variant type: single nucleotide variant.
Coding change: c.625A>G on transcript NM_004859.4 (MANE Select); coding-DNA position 625, A replaced by G.
Protein change: p.Asn209Asp; replaces asparagine 209 with aspartic acid.
Molecular consequence: missense variant.
Genome position (GRCh38, 1-based): chr17:59,648,345, A>G. VCF-style: chr17-59648345-A-G. GRCh37 (hg19) VCF-style: chr17-57725706-A-G.
Other names: c.637A>G, p.Asn213Asp (NM_001288653.2); short protein forms N209D, N213D.
Identifiers: ClinVar variation 2499794 (VCV002499794.1), dbSNP rs2509362486, ClinGen allele CA400421144.
Genomic context (GRCh38, chr17:59,648,345, plus strand): 5'-AAAGTGTCTCAGCCCATTGAAGGACATGCAGCTAGCTTTGCACAGTTTAAGATGGAAGGA[A>G]ATGCAGAAGAATCAACGTTATTTTGTTTTGCAGTTCGGGGCCAAGCTGGAGGGAAGGTAA-3'
Protein context (NP_004850.1, residues 199-219): ASFAQFKMEG[Asn209Asp]AEESTLFCFA

ClinVar aggregate classification (germline): Uncertain significance (1 of 4 stars; one submission).

Allele frequency attached by ClinVar (database versions not stated): gnomAD exomes below 0.00001.
gnomAD v4.1: 1 of 1,614,148 alleles (0.000062%); highest among the groups gnomAD compares: Non-Finnish European, 0.000085%; no homozygotes.

Submission:

GeneDx
Classification: Uncertain significance. Last evaluated: 2022-10-24. Review status: criteria provided, single submitter. Criteria: GeneDx Variant Classification Process June 2021. Collection method: clinical testing. Allele origin: germline. Affected: yes.
Comment: Not observed at significant frequency in large population cohorts (gnomAD); In silico analysis supports that this missense variant does not alter protein structure/function; Has not been previously published as pathogenic or benign to our knowledge